The following is an entry in ClinVar:

NM_000875.5(IGF1R):c.2026G>A (p.Gly676Ser)

Gene: IGF1R (insulin like growth factor 1 receptor; plus strand). Cytogenetic location: 15q26.3.
Variant type: single nucleotide variant.
Coding change: c.2026G>A on transcript NM_000875.5 (MANE Select); coding-DNA position 2026, G replaced by A.
Protein change: p.Gly676Ser; replaces glycine 676 with serine.
Molecular consequence: missense variant.
Genome position (GRCh38, 1-based): chr15:98,916,701, G>A. VCF-style: chr15-98916701-G-A. GRCh37 (hg19) VCF-style: chr15-99459930-G-A.
Other names: c.2026G>A, p.Gly676Ser (NM_001291858.2); short protein forms G676S.
Identifiers: ClinVar variation 3613980 (VCV003613980.2).

ClinVar aggregate classification (germline): Uncertain significance (1 of 4 stars; one submission).

gnomAD v4.1: 30 of 1,613,942 alleles (0.0019%); highest among the groups gnomAD compares: South Asian, 0.012%; no homozygotes.

Submission:

Labcorp Genetics (formerly Invitae), Labcorp
Classification: Uncertain significance. Last evaluated: 2024-07-25. Review status: criteria provided, single submitter. Criteria: Invitae Variant Classification Sherloc (09022015). Collection method: clinical testing. Allele origin: germline.
Comment: This sequence change replaces glycine, which is neutral and non-polar, with serine, which is neutral and polar, at codon 676 of the IGF1R protein (p.Gly676Ser). This variant is present in population databases (no rsID available, gnomAD 0.006%). This variant has not been reported in the literature in individuals affected with IGF1R-related conditions. Advanced modeling of protein sequence and biophysical properties (such as structural, functional, and spatial information, amino acid conservation, physicochemical variation, residue mobility, and thermodynamic stability) performed at Invitae indicates that this missense variant is not expected to disrupt IGF1R protein function with a negative predictive value of 80%. In summary, the available evidence is currently insufficient to determine the role of this variant in disease. Therefore, it has been classified as a Variant of Uncertain Significance.